The following is an entry in ClinVar:

ClinVar aggregate classification (germline): Uncertain significance (1 of 4 stars; one submission).

gnomAD v4.1: 22 of 1,613,960 alleles (0.0014%); highest among the groups gnomAD compares: Middle Eastern, 0.016%; no homozygotes.

Submission:

Labcorp Genetics (formerly Invitae), Labcorp
Classification: Uncertain significance. Last evaluated: 2025-05-13. Review status: criteria provided, single submitter. Criteria: Invitae Variant Classification Sherloc (09022015). Collection method: clinical testing. Allele origin: germline.
Comment: This sequence change replaces arginine, which is basic and polar, with cysteine, which is neutral and slightly polar, at codon 245 of the ROR1 protein (p.Arg245Cys). This variant is present in population databases (rs528483506, gnomAD 0.006%). This variant has not been reported in the literature in individuals affected with ROR1-related conditions. Invitae Evidence Modeling of protein sequence and biophysical properties (such as structural, functional, and spatial information, amino acid conservation, physicochemical variation, residue mobility, and thermodynamic stability) indicates that this missense variant is expected to disrupt ROR1 protein function with a positive predictive value of 80%. In summary, the available evidence is currently insufficient to determine the role of this variant in disease. Therefore, it has been classified as a Variant of Uncertain Significance.

NM_005012.4(ROR1):c.733C>T (p.Arg245Cys)

Gene: ROR1 (receptor tyrosine kinase like orphan receptor 1; plus strand). Cytogenetic location: 1p31.3.
Variant type: single nucleotide variant.
Coding change: c.733C>T on transcript NM_005012.4 (MANE Select); coding-DNA position 733, C replaced by T.
Protein change: p.Arg245Cys; replaces arginine 245 with cysteine.
Molecular consequence: missense variant.
Genome position (GRCh38, 1-based): chr1:64,140,231, C>T. VCF-style: chr1-64140231-C-T. GRCh37 (hg19) VCF-style: chr1-64605914-C-T.
Other names: c.733C>T, p.Arg245Cys (NM_001083592.2); short protein forms R245C.
Identifiers: ClinVar variation 4703440 (VCV004703440.1).